The following is an entry in ClinVar:

NM_000070.3(CAPN3):c.2050+1dup

Gene: CAPN3 (calpain 3; plus strand). Cytogenetic location: 15q15.1.
Variant type: Duplication.
Coding change: c.2050+1dup on transcript NM_000070.3 (MANE Select); the canonical splice donor site of the intron after coding-DNA position 2050, one base duplicated (G; older notation c.2050+1dupG).
Molecular consequence: splice donor variant.
Genome position (GRCh38, 1-based): chr15:42,409,845, G duplicated. VCF-style (leftmost placement, unchanged base first): chr15-42409844-C-CG. GRCh37 (hg19) VCF-style: chr15-42702042-C-CG.
Other names: c.2032+1dup (NM_024344.2); c.1774+1dup (NM_173087.2); c.514+1dup (NM_173088.2); c.55+1dup (NM_173090.2, NM_173089.2).
Identifiers: ClinVar variation 1452007 (VCV001452007.6), dbSNP rs2141221533, ClinGen allele CA2573150710.

ClinVar aggregate classification (germline): Pathogenic (1 of 4 stars; one submission).

Conditions:
Autosomal recessive limb-girdle muscular dystrophy type 2A (LGMDR1). Also called: Limb-girdle muscular dystrophy, type 2A; Muscular dystrophy, limb-girdle, type 2A, Amish; LEYDEN-MOEBIUS MUSCULAR DYSTROPHY; MUSCULAR DYSTROPHY, PELVOFEMORAL; Calpainopathy. Identifiers: Orphanet 267, MedGen C1869123, MONDO:0009675, OMIM 253600. Disease mechanism: loss of function.

Submission:

Labcorp Genetics (formerly Invitae), Labcorp
Classification: Pathogenic for Autosomal recessive limb-girdle muscular dystrophy type 2A. Last evaluated: 2022-06-09. Review status: criteria provided, single submitter. Criteria: Invitae Variant Classification Sherloc (09022015). Collection method: clinical testing. Allele origin: germline.
Comment: This sequence change affects a splice site in intron 18 of the CAPN3 gene. It is expected to disrupt RNA splicing. Variants that disrupt the donor or acceptor splice site typically lead to a loss of protein function (PMID: 16199547), and loss-of-function variants in CAPN3 are known to be pathogenic (PMID: 10330340, 15689361). This variant is not present in population databases (gnomAD no frequency). For these reasons, this variant has been classified as Pathogenic. Algorithms developed to predict the effect of sequence changes on RNA splicing suggest that this variant may disrupt the consensus splice site. Disruption of this splice site has been observed in individuals with limb-girdle muscular dystrophy (PMID: 11525884, 26632398).

Literature cited by the submitters: PubMed 16199547; PubMed 10330340; PubMed 15689361; PubMed 11525884; PubMed 26632398.